The following is an entry in ClinVar:

NM_006182.4(DDR2):c.632A>T (p.Tyr211Phe)

Gene: DDR2 (discoidin domain receptor tyrosine kinase 2; plus strand). Cytogenetic location: 1q23.3.
Variant type: single nucleotide variant.
Coding change: c.632A>T on transcript NM_006182.4 (MANE Select); coding-DNA position 632, A replaced by T.
Protein change: p.Tyr211Phe; replaces tyrosine 211 with phenylalanine.
Molecular consequence: missense variant.
Genome position (GRCh38, 1-based): chr1:162,755,730, A>T. VCF-style: chr1-162755730-A-T. GRCh37 (hg19) VCF-style: chr1-162725520-A-T.
Other names: c.632A>T, p.Tyr211Phe (NM_001014796.3, NM_001354982.2, NM_001354983.2); short protein forms Y211F.
Identifiers: ClinVar variation 5039661 (VCV005039661.1).

ClinVar aggregate classification (germline): Uncertain significance (1 of 4 stars; one submission).

gnomAD v4.1: 5 of 1,614,176 alleles (0.00031%); highest among the groups gnomAD compares: Admixed American, 0.0033%; no homozygotes.

Submission:

CeGaT Center for Human Genetics Tuebingen
Classification: Uncertain significance. Last evaluated: 2026-08-01. Review status: criteria provided, single submitter. Criteria: CeGaT Center For Human Genetics Tuebingen Variant Classification Criteria Version 2. Collection method: clinical testing. Allele origin: germline. Affected: yes. Observed: 1 variant allele.
Comment: DDR2: PM2